The following is an entry in ClinVar:

ClinVar aggregate classification (germline): Uncertain significance. Review status: criteria provided, multiple submitters, no conflicts (2 of 4 stars). 3 submissions from 2 submitters: Uncertain significance (3). Last evaluated 2023-02-14.

Conditions:
Familial hemiplegic migraine. Identifiers: MedGen C0338484, MONDO:0000700.
Alternating hemiplegia of childhood 1 (AHC1). Identifiers: Orphanet 2131, MedGen C3549447, MONDO:0007087, OMIM 104290.
Migraine, familial hemiplegic, 2. Identifiers: Orphanet 569, MedGen C1865322, MONDO:0011232, OMIM 602481.

Allele frequency attached by ClinVar (database versions not stated): TOPMed 0.00001.

Submissions (3):

Labcorp Genetics (formerly Invitae), Labcorp
Classification: Uncertain significance for Familial hemiplegic migraine. Last evaluated: 2023-02-14. Review status: criteria provided, single submitter. Criteria: Invitae Variant Classification Sherloc (09022015). Collection method: clinical testing. Allele origin: germline.
Comment: This sequence change affects codon 37 of the ATP1A2 mRNA. It is a 'silent' change, meaning that it does not change the encoded amino acid sequence of the ATP1A2 protein. In summary, the available evidence is currently insufficient to determine the role of this variant in disease. Therefore, it has been classified as a Variant of Uncertain Significance. Algorithms developed to predict the effect of sequence changes on RNA splicing suggest that this variant may create or strengthen a splice site. ClinVar contains an entry for this variant (Variation ID: 293124). This variant has not been reported in the literature in individuals affected with ATP1A2-related conditions. This variant is not present in population databases (gnomAD no frequency).

Illumina Laboratory Services, Illumina
Classification: Uncertain significance for Migraine, familial hemiplegic, 2. Last evaluated: 2018-01-12. Review status: criteria provided, single submitter. Criteria: ICSL Variant Classification Criteria 13 December 2019. Collection method: clinical testing. Allele origin: germline.

Illumina Laboratory Services, Illumina
Classification: Uncertain significance for Alternating hemiplegia of childhood 1. Last evaluated: 2018-01-12. Review status: criteria provided, single submitter. Criteria: ICSL Variant Classification Criteria 13 December 2019. Collection method: clinical testing. Allele origin: germline.

NM_000702.4(ATP1A2):c.111G>A (p.Val37=)

Gene: ATP1A2 (ATPase Na+/K+ transporting subunit alpha 2; plus strand). Cytogenetic location: 1q23.2.
Variant type: single nucleotide variant.
Coding change: c.111G>A on transcript NM_000702.4 (MANE Select); coding-DNA position 111, G replaced by A.
Protein change: p.Val37=; no amino-acid change (valine 37 retained).
Molecular consequence: synonymous variant.
Genome position (GRCh38, 1-based): chr1:160,121,004, G>A. VCF-style: chr1-160121004-G-A. GRCh37 (hg19) VCF-style: chr1-160090794-G-A.
Identifiers: ClinVar variation 293124 (VCV000293124.8), dbSNP rs886045414, ClinGen allele CA10607920.